The following is an entry in ClinVar:

ClinVar aggregate classification (germline): Uncertain significance (1 of 4 stars; one submission).

Allele frequency attached by ClinVar (database versions not stated): gnomAD exomes below 0.00001.
gnomAD v4.1: 1 of 1,604,462 alleles (0.000062%); highest among the groups gnomAD compares: Non-Finnish European, 0.000085%; no homozygotes.

Submission:

GeneDx
Classification: Uncertain significance. Last evaluated: 2014-02-09. Review status: criteria provided, single submitter. Criteria: GeneDx Variant Classification (06012015). Collection method: clinical testing. Allele origin: germline. Affected: yes.
Comment: p.Pro6Leu (CCT>CTT): c.17 C>T in exon 1 of the SMAD3 gene (NM_005902.3). The P6L variant in the SMAD3 gene has not been reported as a disease-causing mutation nor as a benign polymorphism to our knowledge. P6L was not observed in approximately 6,500 individuals of European and African American ancestry in the NHLBI Exome Sequencing Project, indicating it is not a common benign variant in these populations. The P6L variant is located at a position that is conserved across species, and in silico analysis predicts P6L is damaging to the protein structure/function. The P6L variant is a semi-conservative amino acid substitution as these residues share similar properties, but differ in size, charge, or other properties which may impact secondary structure. However, no missense mutations have been reported in nearby residues, indicating this region of the protein may tolerate change. With the clinical and molecular information available at this time, we cannot definitively determine if P6L is a disease-causing mutation or a rare benign variant. This variant was found in TAAD

NM_005902.4(SMAD3):c.17C>T (p.Pro6Leu)

Genes: SMAD3 (SMAD family member 3; plus strand), LOC130057352 (ATAC-STARR-seq lymphoblastoid silent region 6574; plus strand). Cytogenetic location: 15q22.33.
Variant type: single nucleotide variant.
Coding change: c.17C>T on transcript NM_005902.4 (MANE Select); coding-DNA position 17, C replaced by T.
Protein change: p.Pro6Leu; replaces proline 6 with leucine.
Molecular consequence: missense variant.
Genome position (GRCh38, 1-based): chr15:67,066,171, C>T. VCF-style: chr15-67066171-C-T. GRCh37 (hg19) VCF-style: chr15-67358509-C-T.
Other names: p.P6L:CCT>CTT; short protein forms P6L.
Identifiers: ClinVar variation 213778 (VCV000213778.2), dbSNP rs863223749, ClinGen allele CA321625.
Genomic context (GRCh38, chr15:67,066,171, plus strand): 5'-CCCCGCCGGGGGCGCTCCTCGCCGCCCGCGCGCCCTCCCCAGCCATGTCGTCCATCCTGC[C>T]TTTCACTCCCCCGATCGTGAAGCGCCTGCTGGGCTGGAAGAAGGGCGAGCAGAACGGGCA-3'
Protein context (NP_005893.1, residues 1-16): MSSIL[Pro6Leu]FTPPIVKRLL